The following is an entry in ClinVar:

ClinVar aggregate classification (germline): Uncertain significance (1 of 4 stars; one submission).

Conditions:
Complex neurodevelopmental disorder. Identifiers: Orphanet 528084, MedGen C5568766, MONDO:0100038.

Submission:

Dasa
Classification: Uncertain significance for Complex neurodevelopmental disorder. Last evaluated: 2024-10-15. Review status: criteria provided, single submitter. Criteria: DASA Assertion Criteria. Collection method: clinical testing. Allele origin: germline.
Comment: NM_020336.4(RALGAPB):c.3464T>C (p.Leu1155Ser) is a missense variant that results in the substitution of leucine with serine. This variant is absent from population databases. Computational prediction algorithms are consistent with a deleterious effect. The currently available literature and clinical evidence are not sufficient to establish a definitive association between this variant and the reported condition. Therefore, this variant is classified as a variant of uncertain significance.

NM_020336.4(RALGAPB):c.3464T>C (p.Leu1155Ser)

Gene: RALGAPB (Ral GTPase activating protein non-catalytic subunit beta; plus strand). Cytogenetic location: 20q11.23.
Variant type: single nucleotide variant.
Coding change: c.3464T>C on transcript NM_020336.4 (MANE Select); coding-DNA position 3464, T replaced by C.
Protein change: p.Leu1155Ser; replaces leucine 1155 with serine.
Molecular consequence: missense variant.
Genome position (GRCh38, 1-based): chr20:38,558,386, T>C. VCF-style: chr20-38558386-T-C. GRCh37 (hg19) VCF-style: chr20-37187029-T-C.
Other names: c.3464T>C, p.Leu1155Ser (NM_001282917.2); c.3452T>C, p.Leu1151Ser (NM_001282918.2); short protein forms L1151S, L1155S.
Identifiers: ClinVar variation 4883708 (VCV004883708.2).